The following is an entry in ClinVar:

ClinVar aggregate classification (germline): Uncertain significance (1 of 4 stars; one submission).

Conditions:
Cryopyrin associated periodic syndrome (CAPS). Identifiers: Orphanet 208650, MedGen C2316212, MONDO:0016168.

Submission:

Labcorp Genetics (formerly Invitae), Labcorp
Classification: Uncertain significance for Cryopyrin associated periodic syndrome. Last evaluated: 2023-06-30. Review status: criteria provided, single submitter. Criteria: Invitae Variant Classification Sherloc (09022015). Collection method: clinical testing. Allele origin: germline.
Comment: This sequence change replaces serine, which is neutral and polar, with cysteine, which is neutral and slightly polar, at codon 601 of the NLRP3 protein (p.Ser601Cys). This variant is not present in population databases (gnomAD no frequency). This variant has not been reported in the literature in individuals affected with NLRP3-related conditions. Advanced modeling of protein sequence and biophysical properties (such as structural, functional, and spatial information, amino acid conservation, physicochemical variation, residue mobility, and thermodynamic stability) performed at Invitae indicates that this missense variant is expected to disrupt NLRP3 protein function. In summary, the available evidence is currently insufficient to determine the role of this variant in disease. Therefore, it has been classified as a Variant of Uncertain Significance.

NM_001243133.2(NLRP3):c.1796C>G (p.Ser599Cys)

Gene: NLRP3 (NLR family pyrin domain containing 3; plus strand). Cytogenetic location: 1q44.
Variant type: single nucleotide variant.
Coding change: c.1796C>G on transcript NM_001243133.2 (MANE Select); coding-DNA position 1796, C replaced by G.
Protein change: p.Ser599Cys; replaces serine 599 with cysteine.
Molecular consequence: missense variant.
Genome position (GRCh38, 1-based): chr1:247,425,245, C>G. VCF-style: chr1-247425245-C-G. GRCh37 (hg19) VCF-style: chr1-247588547-C-G.
Other names: c.1796C>G, p.Ser599Cys (NM_001079821.3, NM_001127461.3, NM_001127462.3 and 1 more transcripts); c.1802C>G, p.Ser601Cys (NM_004895.5); short protein forms S601C, S599C.
Identifiers: ClinVar variation 2733610 (VCV002733610.3), dbSNP rs2527274924, ClinGen allele CA345557840.